The following is an entry in ClinVar:

ClinVar aggregate classification (germline): Conflicting classifications of pathogenicity. Review status: criteria provided, conflicting classifications (1 of 4 stars). 2 submissions from 2 submitters: Uncertain significance (1); Likely benign (1). Last evaluated 2025-10-08.

Conditions:
Arrhythmogenic cardiomyopathy with wooly hair and keratoderma. Also called: PALMOPLANTAR KERATODERMA WITH LEFT VENTRICULAR CARDIOMYOPATHY AND WOOLLY HAIR; Carvajal syndrome; Dilated cardiomyopathy with woolly hair and keratoderma; Arrhythmogenic cardiomyopathy with woolly hair and keratoderma. Identifiers: Orphanet 65282, MedGen C1854063, MONDO:0011581, OMIM 605676.
Arrhythmogenic right ventricular dysplasia 8 (ARVD8). Also called: ARRHYTHMOGENIC RIGHT VENTRICULAR DYSPLASIA, FAMILIAL, 8; ARRHYTHMOGENIC RIGHT VENTRICULAR CARDIOMYOPATHY 8; Arrhythmogenic Right Ventricular Dysplasia/Cardiomyopathy 8. Identifiers: MedGen C1843896, MONDO:0011831, OMIM 607450.
Cardiovascular phenotype. Identifiers: MedGen CN230736.

Allele frequency attached by ClinVar (database versions not stated): gnomAD 0.00001.

Submissions (2):

Labcorp Genetics (formerly Invitae), Labcorp
Classification: Likely benign for Arrhythmogenic cardiomyopathy with wooly hair and keratoderma; Arrhythmogenic right ventricular dysplasia 8. Last evaluated: 2025-10-08. Review status: criteria provided, single submitter. Criteria: Invitae Variant Classification Sherloc (09022015). Collection method: clinical testing. Allele origin: germline.

Ambry Genetics
Classification: Uncertain significance for Cardiovascular phenotype. Last evaluated: 2023-01-01. Review status: criteria provided, single submitter. Criteria: Ambry Variant Classification Scheme 2023. Collection method: clinical testing. Allele origin: germline.
Comment: The p.M17V variant (also known as c.49A>G), located in coding exon 1 of the DSP gene, results from an A to G substitution at nucleotide position 49. The methionine at codon 17 is replaced by valine, an amino acid with highly similar properties. This amino acid position is conserved. In addition, this alteration is predicted to be tolerated by in silico analysis. Since supporting evidence is limited at this time, the clinical significance of this alteration remains unclear.

NM_004415.4(DSP):c.49A>G (p.Met17Val)

Genes: DSP-AS1 (DSP antisense RNA 1; minus strand), DSP (desmoplakin; plus strand). Cytogenetic location: 6p24.3.
Variant type: single nucleotide variant.
Coding change: c.49A>G on transcript NM_004415.4 (MANE Select); coding-DNA position 49, A replaced by G.
Protein change: p.Met17Val; replaces methionine 17 with valine.
Molecular consequence: missense variant.
Genome position (GRCh38, 1-based): chr6:7,541,964, A>G. VCF-style: chr6-7541964-A-G. GRCh37 (hg19) VCF-style: chr6-7542197-A-G.
Other names: c.49A>G, p.Met17Val (NM_001008844.3, NM_001319034.2, NM_001406591.1); short protein forms M17V.
Identifiers: ClinVar variation 2453249 (VCV002453249.3), dbSNP rs1454368792, ClinGen allele CA362675582.